The following is an entry in ClinVar:

ClinVar aggregate classification (germline): Likely benign. Review status: criteria provided, multiple submitters, no conflicts (2 of 4 stars). 3 submissions from 3 submitters: Likely benign (3). Last evaluated 2025-03-12.

Conditions:
Progressive myoclonic epilepsy. Also called: Familial progressive myoclonic epilepsy; Myoclonic Epilepsies, Progressive; Myoclonus epilepsy; Progressive myoclonus epilepsy. Identifiers: Orphanet 308, Orphanet 98261, MedGen C0751778, MONDO:0020074.
EPM2A-related disorder. Also called: EPM2A-related condition.

Submissions (3):

PreventionGenetics, part of Exact Sciences
Classification: Likely benign for EPM2A-related condition. Last evaluated: 2025-03-12. Review status: criteria provided, single submitter. Criteria: ACMG Guidelines, 2015. Collection method: clinical testing. Allele origin: germline.
Comment: This variant is classified as likely benign based on ACMG/AMP sequence variant interpretation guidelines (Richards et al. 2015 PMID: 25741868, with internal and published modifications).

Labcorp Genetics (formerly Invitae), Labcorp
Classification: Likely benign for Progressive myoclonic epilepsy. Last evaluated: 2019-12-31. Review status: criteria provided, single submitter. Criteria: Invitae Variant Classification Sherloc (09022015). Collection method: clinical testing. Allele origin: germline.

Breakthrough Genomics
Classification: Likely benign. Review status: criteria provided, single submitter. Criteria: ACMG Guidelines, 2015. Collection method: not provided. Allele origin: germline. Inheritance: Autosomal recessive inheritance. Affected: yes.

NM_005670.4(EPM2A):c.105C>G (p.Arg35=)

Genes: EPM2A (EPM2A glucan phosphatase, laforin; minus strand), EPM2A-DT (EPM2A divergent transcript; plus strand), LOC129997381 (ATAC-STARR-seq lymphoblastoid silent region 17642; plus strand). Cytogenetic location: 6q24.3.
Variant type: single nucleotide variant.
Coding change: c.105C>G on transcript NM_005670.4 (MANE Select); coding-DNA position 105, C replaced by G.
Protein change: p.Arg35=; no amino-acid change (arginine 35 retained).
Molecular consequence: synonymous variant. On other transcripts: 5 prime UTR variant (3), intron variant (1).
Genome position (GRCh38, 1-based): chr6:145,735,394, G>C on the plus strand (C>G on the coding strand, the complement: EPM2A is on the minus strand). VCF-style: chr6-145735394-G-C. GRCh37 (hg19) VCF-style: chr6-146056530-G-C.
Other names: c.105C>G, p.Arg35= (NM_001018041.2, NM_001360057.2, NM_001368130.1); c.-565C>G (NM_001360071.2); c.-519C>G (NM_001368129.2); c.-263C>G (NM_001368131.1); c.-114+514C>G (NM_001360064.2).
Identifiers: ClinVar variation 742396 (VCV000742396.6), dbSNP rs1583156996, ClinGen allele CA452726484.
Genomic context (GRCh38, chr6:145,735,394, plus strand): 5'-CTGCAGGGCCAGGGCCCCGTCGCCCGCCGCGGTGCCGGCCGGCCTCAGGCGGACGGCACC[G>C]CGCGGCTCCCAACGCCCCAGCTCGGGCCGCGACCCCACCACCAGCAGCTCCGGCCGGGCG-3'
Protein context (NP_005661.1, residues 25-45): SRPELGRWEP[Arg35=]GAVRLRPAGT